The following is an entry in ClinVar:

NM_006662.3(SRCAP):c.6297+5C>T

Gene: SRCAP (Snf2 related CREBBP activator protein; plus strand). Cytogenetic location: 16p11.2.
Variant type: single nucleotide variant.
Coding change: c.6297+5C>T on transcript NM_006662.3 (MANE Select); 5 bases into the intron after coding-DNA position 6297, C replaced by T.
Molecular consequence: intron variant.
Genome position (GRCh38, 1-based): chr16:30,733,454, C>T. VCF-style: chr16-30733454-C-T. GRCh37 (hg19) VCF-style: chr16-30744775-C-T.
Identifiers: ClinVar variation 4722656 (VCV004722656.1).
Genomic context (GRCh38, chr16:30,733,454, plus strand): 5'-ACCATGGCCATCTCTACCTGCGCCTGGATGGATCTACTAGAGTTGAACAGAGACAGGTAA[C>T]CCAGGTTTCTGCAGCTCTTAGAGGCTCACCTCCGCTTCTCTCTCCTTTTCCCAGGATTTG-3'

ClinVar aggregate classification (germline): Uncertain significance (1 of 4 stars; one submission).

Submission:

Labcorp Genetics (formerly Invitae), Labcorp
Classification: Uncertain significance. Last evaluated: 2025-07-03. Review status: criteria provided, single submitter. Criteria: Invitae Variant Classification Sherloc (09022015). Collection method: clinical testing. Allele origin: germline.
Comment: This sequence change falls in intron 28 of the SRCAP gene. It does not directly change the encoded amino acid sequence of the SRCAP protein. It affects a nucleotide within the consensus splice site. This variant is not present in population databases (gnomAD no frequency). This variant has not been reported in the literature in individuals affected with SRCAP-related conditions. Variants that disrupt the consensus splice site are a relatively common cause of aberrant splicing (PMID: 17576681, 9536098). Algorithms developed to predict the effect of sequence changes on RNA splicing suggest that this variant is not likely to affect RNA splicing. In summary, the available evidence is currently insufficient to determine the role of this variant in disease. Therefore, it has been classified as a Variant of Uncertain Significance.

Literature cited by the submitters: PubMed 17576681; PubMed 9536098.